The following is an entry in ClinVar:

NM_001077525.3(MTMR14):c.1813C>T (p.Arg605Cys)

Gene: MTMR14 (myotubularin related protein 14; plus strand). Cytogenetic location: 3p25.3.
Variant type: single nucleotide variant.
Coding change: c.1813C>T on transcript NM_001077525.3 (MANE Select); coding-DNA position 1813, C replaced by T.
Protein change: p.Arg605Cys; replaces arginine 605 with cysteine.
Molecular consequence: missense variant. On other transcripts: non-coding transcript variant (9).
Genome position (GRCh38, 1-based): chr3:9,701,833, C>T. VCF-style: chr3-9701833-C-T. GRCh37 (hg19) VCF-style: chr3-9743517-C-T.
Other names: c.1657C>T, p.Arg553Cys (NM_001077526.3); c.1882C>T, p.Arg628Cys (NM_001400518.1); c.1810C>T, p.Arg604Cys (NM_001400519.1); c.1738C>T, p.Arg580Cys (NM_001400520.1); c.1726C>T, p.Arg576Cys (NM_001400521.1); c.1654C>T, p.Arg552Cys (NM_001400522.1); c.1582C>T, p.Arg528Cys (NM_001400523.1); c.1567C>T, p.Arg523Cys (NM_001400524.1); and 19 more; short protein forms R206C, R399C, R553C, R266C, R386C, R411C, R491C, R552C.
Identifiers: ClinVar variation 2080521 (VCV002080521.4), dbSNP rs747888856, ClinGen allele CA2240889.

ClinVar aggregate classification (germline): Uncertain significance (1 of 4 stars; one submission).

Allele frequency attached by ClinVar (database versions not stated): gnomAD exomes 0.00002; ExAC 0.00003.
gnomAD v4.1: 27 of 1,613,772 alleles (0.0017%); highest among the groups gnomAD compares: Admixed American, 0.0033%; no homozygotes.

Submission:

Labcorp Genetics (formerly Invitae), Labcorp
Classification: Uncertain significance. Last evaluated: 2022-07-13. Review status: criteria provided, single submitter. Criteria: Invitae Variant Classification Sherloc (09022015). Collection method: clinical testing. Allele origin: germline.
Comment: In summary, the available evidence is currently insufficient to determine the role of this variant in disease. Therefore, it has been classified as a Variant of Uncertain Significance. Algorithms developed to predict the effect of missense changes on protein structure and function (SIFT, PolyPhen-2, Align-GVGD) all suggest that this variant is likely to be disruptive. This sequence change replaces arginine, which is basic and polar, with cysteine, which is neutral and slightly polar, at codon 493 of the MTMR14 protein (p.Arg493Cys). This variant is present in population databases (rs747888856, gnomAD 0.006%). This variant has not been reported in the literature in individuals affected with MTMR14-related conditions.